The following is an entry in ClinVar:

ClinVar aggregate classification (germline): Uncertain significance (1 of 4 stars; one submission).

Submission:

Labcorp Genetics (formerly Invitae), Labcorp
Classification: Uncertain significance. Last evaluated: 2025-05-07. Review status: criteria provided, single submitter. Criteria: Invitae Variant Classification Sherloc (09022015). Collection method: clinical testing. Allele origin: germline.
Comment: This sequence change replaces phenylalanine, which is neutral and non-polar, with serine, which is neutral and polar, at codon 156 of the KCNJ13 protein (p.Phe156Ser). This variant is not present in population databases (gnomAD no frequency). This variant has not been reported in the literature in individuals affected with KCNJ13-related conditions. Invitae Evidence Modeling of protein sequence and biophysical properties (such as structural, functional, and spatial information, amino acid conservation, physicochemical variation, residue mobility, and thermodynamic stability) indicates that this missense variant is expected to disrupt KCNJ13 protein function with a positive predictive value of 80%. In summary, the available evidence is currently insufficient to determine the role of this variant in disease. Therefore, it has been classified as a Variant of Uncertain Significance.

NM_002242.4(KCNJ13):c.467T>C (p.Phe156Ser)

Genes: KCNJ13 (potassium inwardly rectifying channel subfamily J member 13; minus strand), GIGYF2 (GRB10 interacting GYF protein 2; plus strand). Cytogenetic location: 2q37.1.
Variant type: single nucleotide variant.
Coding change: c.467T>C on transcript NM_002242.4 (MANE Select); coding-DNA position 467, T replaced by C.
Protein change: p.Phe156Ser; replaces phenylalanine 156 with serine.
Molecular consequence: missense variant. On other transcripts: synonymous variant (1), intron variant (4).
Genome position (GRCh38, 1-based): chr2:232,768,807, A>G on the plus strand (T>C on the coding strand, the complement: KCNJ13 is on the minus strand). VCF-style: chr2-232768807-A-G. GRCh37 (hg19) VCF-style: chr2-233633517-A-G.
Other names: c.231T>C, p.Phe77= (NM_001172416.1); c.227T>C, p.Phe76Ser (NM_001172417.1); c.532+7371A>G (NM_001103146.3, NM_015575.4, NM_001103147.2 and 1 more transcripts); short protein forms F156S, F76S.
Identifiers: ClinVar variation 4742560 (VCV004742560.1).
Genomic context (GRCh38, chr2:232,768,807, plus strand): 5'-GCTGTGTCAGTAAAGCGAATTGAAAAAGCTCGATTTTTTGGCCGGGCAATCTTCGCCACA[A>G]AAGCACCTAAATAAGAAATTATTGATTTTTTTTTAGAATGAAGACTTTAAATATCAATAC-3'
Protein context (NP_002233.2, residues 146-166): LMLEAFITGA[Phe156Ser]VAKIARPKNR